The following is an entry in ClinVar:

ClinVar aggregate classification (germline): Benign/Likely benign. Review status: criteria provided, multiple submitters, no conflicts (2 of 4 stars). 2 submissions from 2 submitters: Benign (1); Likely benign (1). Last evaluated 2024-05-28.

Conditions:
Ataxia-telangiectasia syndrome (AT). Also called: ATAXIA-TELANGIECTASIA, COMPLEMENTATION GROUP A; ATAXIA-TELANGIECTASIA, FRESNO VARIANT; Ataxia-telangiectasia; Ataxia-telangiectasia, complementation group E; LOUIS-BAR SYNDROME; Cerebello-oculocutaneous telangiectasia. Identifiers: Orphanet 100, MedGen C0004135, MONDO:0008840, OMIM 208900.
Familial cancer of breast. Also called: BREAST CANCER, FAMILIAL; hereditary breast carcinoma; Hereditary breast cancer. Identifiers: Orphanet 227535, MedGen C0346153, MONDO:0016419, OMIM 114480. Disease mechanism: loss of function.

Submissions (2):

Myriad Genetics, Inc.
Classification: Benign for Familial cancer of breast. Last evaluated: 2024-05-28. Review status: criteria provided, single submitter. Criteria: Myriad Autosomal Dominant, Autosomal Recessive and X-Linked Classification Criteria (2023). Collection method: clinical testing. Allele origin: unknown.
Comment: This variant is considered benign. This variant is a silent/synonymous amino acid change and it is not expected to impact splicing.

Labcorp Genetics (formerly Invitae), Labcorp
Classification: Likely benign for Ataxia-telangiectasia syndrome. Last evaluated: 2022-03-17. Review status: criteria provided, single submitter. Criteria: Invitae Variant Classification Sherloc (09022015). Collection method: clinical testing. Allele origin: germline.

NM_000051.4(ATM):c.5991T>G (p.Thr1997=)

Genes: ATM (ATM serine/threonine kinase; plus strand), C11orf65 (chromosome 11 open reading frame 65; minus strand). Cytogenetic location: 11q22.3.
Variant type: single nucleotide variant.
Coding change: c.5991T>G on transcript NM_000051.4 (MANE Select); coding-DNA position 5991, T replaced by G.
Protein change: p.Thr1997=; no amino-acid change (threonine 1997 retained).
Molecular consequence: synonymous variant. On other transcripts: intron variant (2).
Genome position (GRCh38, 1-based): chr11:108,312,483, T>G. VCF-style: chr11-108312483-T-G. GRCh37 (hg19) VCF-style: chr11-108183210-T-G.
Other names: c.5991T>G, p.Thr1997= (NM_001351834.2); c.641-3412A>C (NM_001330368.2); c.*39-3412A>C (NM_001351110.2).
Identifiers: ClinVar variation 2113197 (VCV002113197.5), dbSNP rs2136062829, ClinGen allele CA476675564.